The following is an entry in ClinVar:

NM_174936.4(PCSK9):c.938C>G (p.Thr313Ser)

Gene: PCSK9 (proprotein convertase subtilisin/kexin type 9; plus strand). Cytogenetic location: 1p32.3.
Variant type: single nucleotide variant.
Coding change: c.938C>G on transcript NM_174936.4 (MANE Select); coding-DNA position 938, C replaced by G.
Protein change: p.Thr313Ser; replaces threonine 313 with serine.
Molecular consequence: missense variant. On other transcripts: non-coding transcript variant (8).
Genome position (GRCh38, 1-based): chr1:55,056,131, C>G. VCF-style: chr1-55056131-C-G. GRCh37 (hg19) VCF-style: chr1-55521804-C-G.
Other names: c.1061C>G, p.Thr354Ser (NM_001407240.1); c.938C>G, p.Thr313Ser (NM_001407241.1, NM_001407244.1, NM_001407247.1); c.941C>G, p.Thr314Ser (NM_001407242.1); c.881C>G, p.Thr294Ser (NM_001407243.1); c.746C>G, p.Thr249Ser (NM_001407245.1); c.563C>G, p.Thr188Ser (NM_001407246.1); short protein forms T188S, T249S, T294S, T313S, T314S, T354S.
Identifiers: ClinVar variation 3893928 (VCV003893928.1).

ClinVar aggregate classification (germline): Uncertain significance (1 of 4 stars; one submission).

Conditions:
Familial hypercholesterolemia. Also called: Familial hypercholesterolaemia. Identifiers: MedGen C0020445, MONDO:0005439.

Submission:

Color Diagnostics, LLC DBA Color Health
Classification: Uncertain significance for Familial hypercholesterolemia. Last evaluated: 2025-02-25. Review status: criteria provided, single submitter. Criteria: ACMG Guidelines, 2015. Collection method: clinical testing. Allele origin: germline.
Comment: This missense variant replaces threonine with serine at codon 313 of the PCSK9 protein. Computational prediction suggests that this variant may not impact protein structure and function (internally defined REVEL score threshold <= 0.5, PMID: 27666373). To our knowledge, functional studies have not been reported for this variant. This variant has not been reported in individuals affected with PCSK9-related disorders in the literature. This variant has not been identified in the general population by the Genome Aggregation Database (gnomAD). The available evidence is insufficient to determine the role of this variant in disease conclusively. Therefore, this variant is classified as a Variant of Uncertain Significance.